The following is an entry in ClinVar:

NM_003201.3(TFAM):c.628C>T (p.Arg210Cys)

Gene: TFAM (transcription factor A, mitochondrial; plus strand). Cytogenetic location: 10q21.1.
Variant type: single nucleotide variant.
Coding change: c.628C>T on transcript NM_003201.3 (MANE Select); coding-DNA position 628, C replaced by T.
Protein change: p.Arg210Cys; replaces arginine 210 with cysteine.
Molecular consequence: missense variant. On other transcripts: non-coding transcript variant (1).
Genome position (GRCh38, 1-based): chr10:58,394,961, C>T. VCF-style: chr10-58394961-C-T. GRCh37 (hg19) VCF-style: chr10-60154721-C-T.
Other names: c.532C>T, p.Arg178Cys (NM_001270782.2); short protein forms R178C, R210C.
Identifiers: ClinVar variation 3764341 (VCV003764341.1).

ClinVar aggregate classification (germline): Uncertain significance (1 of 4 stars; one submission).

Submission:

GeneDx
Classification: Uncertain significance. Last evaluated: 2024-08-19. Review status: criteria provided, single submitter. Criteria: GeneDx Variant Classification Process June 2021. Collection method: clinical testing. Allele origin: germline. Affected: yes.
Comment: Not observed at significant frequency in large population cohorts (gnomAD); In silico analysis supports that this missense variant has a deleterious effect on protein structure/function; Has not been previously published as pathogenic or benign to our knowledge